The following is an entry in ClinVar:

NM_182914.3(SYNE2):c.13256A>G (p.Asp4419Gly)

Gene: SYNE2 (spectrin repeat containing nuclear envelope protein 2; plus strand). Cytogenetic location: 14q23.2.
Variant type: single nucleotide variant.
Coding change: c.13256A>G on transcript NM_182914.3 (MANE Select); coding-DNA position 13256, A replaced by G.
Protein change: p.Asp4419Gly; replaces aspartic acid 4419 with glycine.
Molecular consequence: missense variant.
Genome position (GRCh38, 1-based): chr14:64,122,109, A>G. VCF-style: chr14-64122109-A-G. GRCh37 (hg19) VCF-style: chr14-64588827-A-G.
Other names: c.13256A>G, p.Asp4419Gly (NM_015180.6); short protein forms D4419G.
Identifiers: ClinVar variation 701821 (VCV000701821.13), dbSNP rs376129364, ClinGen allele CA7222381.

ClinVar aggregate classification (germline): Conflicting classifications of pathogenicity. Review status: criteria provided, conflicting classifications (1 of 4 stars). 4 submissions from 4 submitters: Uncertain significance (1); Likely benign (2). 1 of the submissions does not count toward it. Last evaluated 2025-10-21.

Conditions:
SYNE2-related disorder. Also called: SYNE2-related condition.
Emery-Dreifuss muscular dystrophy 5, autosomal dominant (EDMD5). Also called: EMERY-DREIFUSS MUSCULAR DYSTROPHY 5. Identifiers: Orphanet 261, MedGen C2751805, MONDO:0013072, OMIM 612999.

Allele frequency attached by ClinVar (database versions not stated): gnomAD 0.00001 and 0.00015; TOPMed 0.00006; gnomAD exomes 0.00023 and 0.00037; ExAC 0.00040; 1000 Genomes Project 0.00120; 1000 Genomes Project 30x 0.00125.
gnomAD v4.1: 389 of 1,614,190 alleles (0.024%); highest among the groups gnomAD compares: South Asian, 0.31%; 8 homozygotes.

Submissions (4):

Labcorp Genetics (formerly Invitae), Labcorp
Classification: Likely benign for Emery-Dreifuss muscular dystrophy 5, autosomal dominant. Last evaluated: 2025-10-21. Review status: criteria provided, single submitter. Criteria: Invitae Variant Classification Sherloc (09022015). Collection method: clinical testing. Allele origin: germline.

Ambry Genetics
Classification: Uncertain significance. Last evaluated: 2025-08-13. Review status: criteria provided, single submitter. Criteria: Ambry Variant Classification Scheme 2023. Collection method: clinical testing. Allele origin: germline.

Blueprint Genetics
Classification: Likely benign. Last evaluated: 2024-10-14. Review status: criteria provided, single submitter. Criteria: ACMG Guidelines, 2015. Collection method: clinical testing. Allele origin: germline.

PreventionGenetics, part of Exact Sciences
Classification: Likely benign for SYNE2-related condition. Last evaluated: 2022-09-07. Review status: no assertion criteria provided. Collection method: clinical testing. Allele origin: germline. Not counted in ClinVar's aggregate classification.
Comment: This variant is classified as likely benign based on ACMG/AMP sequence variant interpretation guidelines (Richards et al. 2015 PMID: 25741868, with internal and published modifications).